The following is an entry in ClinVar:

NM_000393.5(COL5A2):c.2681G>A (p.Gly894Glu)

Gene: COL5A2 (collagen type V alpha 2 chain; minus strand). Cytogenetic location: 2q32.2.
Variant type: single nucleotide variant.
Coding change: c.2681G>A on transcript NM_000393.5 (MANE Select); coding-DNA position 2681, G replaced by A.
Protein change: p.Gly894Glu; replaces glycine 894 with glutamic acid.
Molecular consequence: missense variant.
Genome position (GRCh38, 1-based): chr2:189,052,783, C>T on the plus strand (G>A on the coding strand, the complement: COL5A2 is on the minus strand). VCF-style: chr2-189052783-C-T. GRCh37 (hg19) VCF-style: chr2-189917509-C-T.
Other names: short protein forms G894E.
Identifiers: ClinVar variation 3896520 (VCV003896520.4).

ClinVar aggregate classification (germline): Conflicting classifications of pathogenicity. Review status: criteria provided, conflicting classifications (1 of 4 stars). 3 submissions from 3 submitters: Likely pathogenic (1); Uncertain significance (2). Last evaluated 2025-08-26.

Conditions:
Ehlers-Danlos syndrome, classic type, 2 (EDSCL2). Also called: Ehlers-Danlos syndrome, type 2; Ehlers-Danlos Syndrome, Classic Type, COL5A2-Related; Ehlers-Danlos syndrome type 2 (formerly). Identifiers: Orphanet 287, Orphanet 90318, MedGen C0268336, MONDO:0019568, OMIM 130010.
Ehlers-Danlos syndrome, classic type, 1 (EDSCL1). Also called: EHLERS-DANLOS SYNDROME, GRAVIS TYPE; EHLERS-DANLOS SYNDROME, SEVERE CLASSIC TYPE; Ehlers-Danlos syndrome, type 1; Ehlers-Danlos Syndrome, Classic Type, COL5A1-Related; EDS I. Identifiers: MedGen C0268335, MONDO:0019567, OMIM 130000.

Submissions (3):

Variantyx, Inc.
Classification: Likely pathogenic for Ehlers-Danlos syndrome, classic type, 2. Last evaluated: 2025-08-26. Review status: criteria provided, single submitter. Criteria: Variantyx Assertion Criteria 2022. Collection method: clinical testing. Allele origin: germline. Inheritance: Autosomal dominant inheritance. Affected: yes.
Comment: This is a nonsynonymous variant in the COL5A2 gene (OMIM: 120190). Pathogenic variants in this gene have been associated with autosomal dominant Ehlers-Danlos syndrome classic type 2. This variant replaces a glycine residue in the repetitive Gly-X-Y sequence of the triple helical domain, which is a common disease mechanism in collagenopathies (PMID: 28098982, 15365990 (PM1_Strong), and multiple computational algorithms predict a deleterious effect for this variant (REVEL score: 0.996) (PP3). This variant is absent from control populations (PM2). Based on the current evidence, this variant is classified as likely pathogenic for autosomal dominant Ehlers-Danlos syndrome classic type 2.

Women's Health and Genetics/Laboratory Corporation of America, LabCorp
Classification: Uncertain significance. Last evaluated: 2025-04-03. Review status: criteria provided, single submitter. Criteria: LabCorp Variant Classification Summary - May 2015. Collection method: clinical testing. Allele origin: germline.
Comment: Variant summary: COL5A2 c.2681G>A (p.Gly894Glu) results in a non-conservative amino acid change in the encoded protein sequence. Five of five in-silico tools predict a damaging effect of the variant on protein function. The variant was absent in 251310 control chromosomes. The available data on variant occurrences in the general population are insufficient to allow any conclusion about variant significance. To our knowledge, no occurrence of c.2681G>A in individuals affected with COL5A2-related conditions and no experimental evidence demonstrating its impact on protein function have been reported. No submitters have cited clinical-significance assessments for this variant to ClinVar. Based on the evidence outlined above, the variant was classified as uncertain significance.

Labcorp Genetics (formerly Invitae), Labcorp
Classification: Uncertain significance for Ehlers-Danlos syndrome, classic type, 1. Last evaluated: 2025-02-06. Review status: criteria provided, single submitter. Criteria: Invitae Variant Classification Sherloc (09022015). Collection method: clinical testing. Allele origin: germline.
Comment: This sequence change replaces glycine, which is neutral and non-polar, with glutamic acid, which is acidic and polar, at codon 894 of the COL5A2 protein (p.Gly894Glu). This variant is not present in population databases (gnomAD no frequency). This variant has not been reported in the literature in individuals affected with COL5A2-related conditions. Invitae Evidence Modeling of protein sequence and biophysical properties (such as structural, functional, and spatial information, amino acid conservation, physicochemical variation, residue mobility, and thermodynamic stability) indicates that this missense variant is expected to disrupt COL5A2 protein function with a positive predictive value of 80%. In summary, the available evidence is currently insufficient to determine the role of this variant in disease. Therefore, it has been classified as a Variant of Uncertain Significance.

Literature cited by the submitters: PubMed 28098982 (cited by Variantyx, Inc.); PubMed 5365990 (cited by Variantyx, Inc.).